The following is an entry in ClinVar:

NM_015166.4(MLC1):c.686C>T (p.Ser229Leu)

Gene: MLC1 (modulator of VRAC current 1; minus strand). Cytogenetic location: 22q13.33.
Variant type: single nucleotide variant.
Coding change: c.686C>T on transcript NM_015166.4 (MANE Select); coding-DNA position 686, C replaced by T.
Protein change: p.Ser229Leu; replaces serine 229 with leucine.
Molecular consequence: missense variant. On other transcripts: non-coding transcript variant (3).
Genome position (GRCh38, 1-based): chr22:50,074,244, G>A on the plus strand (C>T on the coding strand, the complement: MLC1 is on the minus strand). VCF-style: chr22-50074244-G-A. GRCh37 (hg19) VCF-style: chr22-50512673-G-A.
Other names: c.686C>T, p.Ser229Leu (NM_001376472.1, NM_001376473.1, NM_001376474.1 and 6 more transcripts); c.596C>T, p.Ser199Leu (NM_001376480.1); c.584C>T, p.Ser195Leu (NM_001376481.1); c.530C>T, p.Ser177Leu (NM_001376482.1, NM_001376483.1); c.449C>T, p.Ser150Leu (NM_001376484.1); short protein forms S150L, S177L, S195L, S199L, S229L.
Identifiers: ClinVar variation 2428018 (VCV002428018.4), dbSNP rs771337423, ClinGen allele CA10303422.

ClinVar aggregate classification (germline): Uncertain significance (1 of 4 stars; one submission).

Allele frequency attached by ClinVar (database versions not stated): gnomAD exomes below 0.00001; ExAC 0.00002; TOPMed 0.00002.
gnomAD v4.1: 1 of 1,613,884 alleles (0.000062%); highest among the groups gnomAD compares: Admixed American, 0.0017%; no homozygotes.

Submission:

Labcorp Genetics (formerly Invitae), Labcorp
Classification: Uncertain significance. Last evaluated: 2024-05-06. Review status: criteria provided, single submitter. Criteria: Invitae Variant Classification Sherloc (09022015). Collection method: clinical testing. Allele origin: germline.
Comment: This sequence change replaces serine, which is neutral and polar, with leucine, which is neutral and non-polar, at codon 229 of the MLC1 protein (p.Ser229Leu). This variant is present in population databases (rs771337423, gnomAD no frequency). This variant has not been reported in the literature in individuals affected with MLC1-related conditions. ClinVar contains an entry for this variant (Variation ID: 2428018). Advanced modeling of protein sequence and biophysical properties (such as structural, functional, and spatial information, amino acid conservation, physicochemical variation, residue mobility, and thermodynamic stability) performed at Invitae indicates that this missense variant is not expected to disrupt MLC1 protein function with a negative predictive value of 80%. In summary, the available evidence is currently insufficient to determine the role of this variant in disease. Therefore, it has been classified as a Variant of Uncertain Significance.